The following is an entry in ClinVar:

ClinVar aggregate classification (germline): Uncertain significance (1 of 4 stars; one submission).

Allele frequency attached by ClinVar (database versions not stated): ESP Exome Variant Server 0.00046.
gnomAD v4.1: 688 of 1,612,908 alleles (0.043%); highest among the groups gnomAD compares: Admixed American, 0.077%; 1 homozygote.

Submission:

Labcorp Genetics (formerly Invitae), Labcorp
Classification: Uncertain significance. Last evaluated: 2025-12-31. Review status: criteria provided, single submitter. Criteria: Invitae Variant Classification Sherloc (09022015). Collection method: clinical testing. Allele origin: germline.
Comment: This sequence change replaces arginine, which is basic and polar, with tryptophan, which is neutral and slightly polar, at codon 525 of the TCF3 protein (p.Arg525Trp). This variant is present in population databases (rs145878545, gnomAD 0.05%), including at least one homozygous and/or hemizygous individual. This variant has not been reported in the literature in individuals affected with TCF3-related conditions. ClinVar contains an entry for this variant (Variation ID: 1511748). Invitae Evidence Modeling of protein sequence and biophysical properties (such as structural, functional, and spatial information, amino acid conservation, physicochemical variation, residue mobility, and thermodynamic stability) indicates that this missense variant is expected to disrupt TCF3 protein function with a positive predictive value of 80%. In summary, the available evidence is currently insufficient to determine the role of this variant in disease. Therefore, it has been classified as a Variant of Uncertain Significance.

NM_003200.5(TCF3):c.1573C>T (p.Arg525Trp)

Gene: TCF3 (transcription factor 3; minus strand). Cytogenetic location: 19p13.3.
Variant type: single nucleotide variant.
Coding change: c.1573C>T on transcript NM_003200.5 (MANE Select); coding-DNA position 1573, C replaced by T.
Protein change: p.Arg525Trp; replaces arginine 525 with tryptophan.
Molecular consequence: missense variant.
Genome position (GRCh38, 1-based): chr19:1,615,699, G>A on the plus strand (C>T on the coding strand, the complement: TCF3 is on the minus strand). VCF-style: chr19-1615699-G-A. GRCh37 (hg19) VCF-style: chr19-1615698-G-A.
Other names: c.1573C>T, p.Arg525Trp (NM_001136139.4, NM_001351779.2); c.1570C>T, p.Arg524Trp (NM_001351778.2); short protein forms R524W, R525W.
Identifiers: ClinVar variation 1511748 (VCV001511748.6), dbSNP rs145878545, ClinGen allele CA9049761.